The following is an entry in ClinVar:

NM_139137.4(KCNC2):c.1420A>G (p.Asn474Asp)

Gene: KCNC2 (potassium voltage-gated channel subfamily C member 2; minus strand). Cytogenetic location: 12q21.1.
Variant type: single nucleotide variant.
Coding change: c.1420A>G on transcript NM_139137.4 (MANE Select); coding-DNA position 1420, A replaced by G.
Protein change: p.Asn474Asp; replaces asparagine 474 with aspartic acid.
Molecular consequence: missense variant. On other transcripts: non-coding transcript variant (1).
Genome position (GRCh38, 1-based): chr12:75,050,585, T>C on the plus strand (A>G on the coding strand, the complement: KCNC2 is on the minus strand). VCF-style: chr12-75050585-T-C. GRCh37 (hg19) VCF-style: chr12-75444365-T-C.
Other names: c.1420A>G, p.Asn474Asp (NM_001260497.2, NM_001260498.2, NM_001260499.2 and 13 more transcripts); short protein forms N474D.
Identifiers: ClinVar variation 4293042 (VCV004293042.1).

ClinVar aggregate classification (germline): Uncertain significance (1 of 4 stars; one submission).

Conditions:
Developmental and epileptic encephalopathy 103 (DEE103). Identifiers: MedGen C5677002, MONDO:0030957, OMIM 619913.

Submission:

3billion
Classification: Uncertain significance for Developmental and epileptic encephalopathy 103. Last evaluated: 2024-09-29. Review status: criteria provided, single submitter. Criteria: ACMG Guidelines, 2015. Collection method: clinical testing. Allele origin: germline. Affected: yes.
Comment: The variant is not observed in the gnomAD v4.1.0 dataset. Predicted Consequence/Location: Missense variant. Missense changes are a common disease-causing mechanism. In silico tool predictions suggest damaging effect of the variant on gene or gene product [REVEL: 0.85 (>=0.6, sensitivity 0.68 and specificity 0.92)]. Therefore, this variant is classified as VUS according to the recommendation of ACMG/AMP guideline.